The following is an entry in ClinVar:

ClinVar aggregate classification (germline): Likely benign (1 of 4 stars; one submission).

gnomAD v4.1: 6 of 1,614,082 alleles (0.00037%); highest among the groups gnomAD compares: Admixed American, 0.0033%; no homozygotes.

Submission:

CeGaT Center for Human Genetics Tuebingen
Classification: Likely benign. Last evaluated: 2026-09-01. Review status: criteria provided, single submitter. Criteria: CeGaT Center For Human Genetics Tuebingen Variant Classification Criteria Version 2. Collection method: clinical testing. Allele origin: germline. Affected: yes. Observed: 1 variant allele.
Comment: DNAH7: BP4, BP7

NM_018897.3(DNAH7):c.5139A>G (p.Leu1713=)

Gene: DNAH7 (dynein axonemal heavy chain 7; minus strand). Cytogenetic location: 2q32.3.
Variant type: single nucleotide variant.
Coding change: c.5139A>G on transcript NM_018897.3 (MANE Select); coding-DNA position 5139, A replaced by G.
Protein change: p.Leu1713=; no amino-acid change (leucine 1713 retained).
Molecular consequence: synonymous variant.
Genome position (GRCh38, 1-based): chr2:195,888,889, T>C on the plus strand (A>G on the coding strand, the complement: DNAH7 is on the minus strand). VCF-style: chr2-195888889-T-C. GRCh37 (hg19) VCF-style: chr2-196753613-T-C.
Identifiers: ClinVar variation 5040882 (VCV005040882.1).